The following is an entry in ClinVar:

ClinVar aggregate classification (germline): Uncertain significance (1 of 4 stars; one submission).

Conditions:
Long QT syndrome (LQTS). Identifiers: MedGen C0023976, MeSH D008133, MONDO:0002442. Disease mechanism: loss of function. Inheritance: Various modes of inheritance.

gnomAD v4.1: 9 of 1,612,370 alleles (0.00056%); highest among the groups gnomAD compares: Admixed American, 0.0033%; no homozygotes.

Submission:

Labcorp Genetics (formerly Invitae), Labcorp
Classification: Uncertain significance for Long QT syndrome. Last evaluated: 2022-01-15. Review status: criteria provided, single submitter. Criteria: Invitae Variant Classification Sherloc (09022015). Collection method: clinical testing. Allele origin: germline.
Comment: This sequence change replaces arginine, which is basic and polar, with tryptophan, which is neutral and slightly polar, at codon 81 of the CACNA1C protein (p.Arg81Trp). In summary, the available evidence is currently insufficient to determine the role of this variant in disease. Therefore, it has been classified as a Variant of Uncertain Significance. Algorithms developed to predict the effect of missense changes on protein structure and function are either unavailable or do not agree on the potential impact of this missense change (SIFT: "Deleterious"; PolyPhen-2: "Probably Damaging"; Align-GVGD: "Class C0"). This variant has not been reported in the literature in individuals affected with CACNA1C-related conditions. This variant is present in population databases (rs745759667, gnomAD 0.006%).

NM_000719.7(CACNA1C):c.241C>T (p.Arg81Trp)

Gene: CACNA1C (calcium voltage-gated channel subunit alpha1 C; plus strand). Cytogenetic location: 12p13.33.
Variant type: single nucleotide variant.
Coding change: c.241C>T on transcript NM_000719.7 (MANE Select); coding-DNA position 241, C replaced by T.
Protein change: p.Arg81Trp; replaces arginine 81 with tryptophan.
Molecular consequence: missense variant.
Genome position (GRCh38, 1-based): chr12:2,115,415, C>T. VCF-style: chr12-2115415-C-T. GRCh37 (hg19) VCF-style: chr12-2224581-C-T.
Other names: c.241C>T, p.Arg81Trp (NM_001129827.2, NM_001129829.2, NM_001129830.3 and 19 more transcripts); short protein forms R81W.
Identifiers: ClinVar variation 1508337 (VCV001508337.6), dbSNP rs745759667, ClinGen allele CA6388409.